The following is an entry in ClinVar:

NM_000059.4(BRCA2):c.6073C>G (p.Leu2025Val)

Gene: BRCA2 (BRCA2 DNA repair associated; plus strand). Cytogenetic location: 13q13.1.
Variant type: single nucleotide variant.
Coding change: c.6073C>G on transcript NM_000059.4 (MANE Select); coding-DNA position 6073, C replaced by G.
Protein change: p.Leu2025Val; replaces leucine 2025 with valine.
Molecular consequence: missense variant. On other transcripts: non-coding transcript variant (1), intron variant (2).
Genome position (GRCh38, 1-based): chr13:32,340,428, C>G. VCF-style: chr13-32340428-C-G. GRCh37 (hg19) VCF-style: chr13-32914565-C-G.
Other names: c.6073C>G, p.Leu2025Val (NM_001406719.1, NM_001406720.1, NM_001432077.1); c.1910-4130C>G (NM_001406721.1); c.425-4130C>G (NM_001406722.1); short protein forms L2025V.
Identifiers: ClinVar variation 4802318 (VCV004802318.1).

ClinVar aggregate classification (germline): Uncertain significance (1 of 4 stars; one submission).

Conditions:
Hereditary breast ovarian cancer syndrome. Also called: Hereditary breast and ovarian cancer syndrome (HBOC); Hereditary breast and ovarian cancer; Breast and ovarian cancer; Hereditary breast and/or ovarian cancer syndrome; BRCA1- and BRCA2-Associated Hereditary Breast and Ovarian Cancer; Hereditary breast and ovarian cancer syndrome. Identifiers: Orphanet 145, MedGen C0677776, MeSH D061325, MONDO:0003582. Disease mechanism: loss of function.

gnomAD v4.1: 2 of 1,613,782 alleles (0.00012%); highest among the groups gnomAD compares: Non-Finnish European, 0.00017%; no homozygotes.

Submission:

Labcorp Genetics (formerly Invitae), Labcorp
Classification: Uncertain significance for Hereditary breast ovarian cancer syndrome. Last evaluated: 2025-09-22. Review status: criteria provided, single submitter. Criteria: Invitae Variant Classification Sherloc (09022015). Collection method: clinical testing. Allele origin: germline.
Comment: This sequence change replaces leucine, which is neutral and non-polar, with valine, which is neutral and non-polar, at codon 2025 of the BRCA2 protein (p.Leu2025Val). This variant is present in population databases (no rsID available, gnomAD 0.0009%). This variant has not been reported in the literature in individuals affected with BRCA2-related conditions. Invitae Evidence Modeling of protein sequence and biophysical properties (such as structural, functional, and spatial information, amino acid conservation, physicochemical variation, residue mobility, and thermodynamic stability) indicates that this missense variant is not expected to disrupt BRCA2 protein function with a negative predictive value of 95%. In summary, the available evidence is currently insufficient to determine the role of this variant in disease. Therefore, it has been classified as a Variant of Uncertain Significance.